The following is an entry in ClinVar:

ClinVar aggregate classification (germline): Uncertain significance (1 of 4 stars; one submission).

Conditions:
Cardiovascular phenotype. Identifiers: MedGen CN230736.

Submission:

Ambry Genetics
Classification: Uncertain significance for Cardiovascular phenotype. Last evaluated: 2024-07-04. Review status: criteria provided, single submitter. Criteria: Ambry Variant Classification Scheme 2023. Collection method: clinical testing. Allele origin: germline.
Comment: The p.S398A variant (also known as c.1192T>G), located in coding exon 10 of the DSP gene, results from a T to G substitution at nucleotide position 1192. The serine at codon 398 is replaced by alanine, an amino acid with similar properties. This amino acid position is conserved. In addition, this alteration is predicted to be tolerated by in silico analysis. Based on the available evidence, the clinical significance of this variant remains unclear.

NM_004415.4(DSP):c.1192T>G (p.Ser398Ala)

Gene: DSP (desmoplakin; plus strand). Cytogenetic location: 6p24.3.
Variant type: single nucleotide variant.
Coding change: c.1192T>G on transcript NM_004415.4 (MANE Select); coding-DNA position 1192, T replaced by G.
Protein change: p.Ser398Ala; replaces serine 398 with alanine.
Molecular consequence: missense variant.
Genome position (GRCh38, 1-based): chr6:7,567,832, T>G. VCF-style: chr6-7567832-T-G. GRCh37 (hg19) VCF-style: chr6-7568065-T-G.
Other names: c.1192T>G, p.Ser398Ala (NM_001008844.3, NM_001319034.2, NM_001406591.1); short protein forms S398A.
Identifiers: ClinVar variation 3505478 (VCV003505478.1).
Genomic context (GRCh38, chr6:7,567,832, plus strand): 5'-CCTTCACAGTTTTTTGAAGAGGCGCAGTCTACTGAAGCATACCTGAAGGGGCTCCAGGAC[T>G]CCATCAGGAAGAAGTACCCCTGCGACAAGAACATGCCCCTGCAGCACCTGCTGGAACAGA-3'
Protein context (NP_004406.2, residues 388-408): TEAYLKGLQD[Ser398Ala]IRKKYPCDKN